The following is an entry in ClinVar:

ClinVar aggregate classification (germline): Uncertain significance. Review status: criteria provided, multiple submitters, no conflicts (2 of 4 stars). 2 submissions from 2 submitters: Uncertain significance (2). Last evaluated 2023-06-05.

Conditions:
Hereditary cancer-predisposing syndrome. Also called: Neoplastic Syndromes, Hereditary; Hereditary Cancer Syndrome; Tumor predisposition; Hereditary neoplastic syndrome. Identifiers: Orphanet 140162, MedGen C0027672, MeSH D009386, MONDO:0015356.
DICER1-related tumor predisposition. Also called: DICER1 syndrome; DICER1-related pleuropulmonary blastoma cancer predisposition syndrome. Identifiers: Orphanet 284343, MedGen C3839822, MONDO:0100216.

Submissions (2):

Ambry Genetics
Classification: Uncertain significance for Hereditary cancer-predisposing syndrome. Last evaluated: 2023-06-05. Review status: criteria provided, single submitter. Criteria: Ambry Variant Classification Scheme 2023. Collection method: clinical testing. Allele origin: germline.
Comment: The p.I202V variant (also known as c.604A>G), located in coding exon 5 of the DICER1 gene, results from an A to G substitution at nucleotide position 604. The isoleucine at codon 202 is replaced by valine, an amino acid with highly similar properties. This amino acid position is conserved. In addition, this alteration is predicted to be tolerated by in silico analysis. Since supporting evidence is limited at this time, the clinical significance of this alteration remains unclear.

Labcorp Genetics (formerly Invitae), Labcorp
Classification: Uncertain significance for DICER1-related tumor predisposition. Last evaluated: 2023-05-19. Review status: criteria provided, single submitter. Criteria: Invitae Variant Classification Sherloc (09022015). Collection method: clinical testing. Allele origin: germline.
Comment: In summary, the available evidence is currently insufficient to determine the role of this variant in disease. Therefore, it has been classified as a Variant of Uncertain Significance. Advanced modeling of protein sequence and biophysical properties (such as structural, functional, and spatial information, amino acid conservation, physicochemical variation, residue mobility, and thermodynamic stability) performed at Invitae indicates that this missense variant is not expected to disrupt DICER1 protein function. This variant has not been reported in the literature in individuals affected with DICER1-related conditions. This variant is not present in population databases (gnomAD no frequency). This sequence change replaces isoleucine, which is neutral and non-polar, with valine, which is neutral and non-polar, at codon 202 of the DICER1 protein (p.Ile202Val).

NM_177438.3(DICER1):c.604A>G (p.Ile202Val)

Gene: DICER1 (dicer 1, ribonuclease III; minus strand). Cytogenetic location: 14q32.13.
Variant type: single nucleotide variant.
Coding change: c.604A>G on transcript NM_177438.3 (MANE Select); coding-DNA position 604, A replaced by G.
Protein change: p.Ile202Val; replaces isoleucine 202 with valine.
Molecular consequence: missense variant. On other transcripts: non-coding transcript variant (6), 5 prime UTR variant (1).
Genome position (GRCh38, 1-based): chr14:95,129,602, T>C on the plus strand (A>G on the coding strand, the complement: DICER1 is on the minus strand). VCF-style: chr14-95129602-T-C. GRCh37 (hg19) VCF-style: chr14-95595939-T-C.
Other names: c.604A>G, p.Ile202Val (NM_001195573.1, NM_001271282.3, NM_001291628.2 and 15 more transcripts); c.322A>G, p.Ile108Val (NM_001395686.1); c.199A>G, p.Ile67Val (NM_001395687.1, NM_001395688.1, NM_001395689.1 and 3 more transcripts); c.37A>G, p.Ile13Val (NM_001395691.1); c.-965A>G (NM_001395697.1); short protein forms I13V, I202V, I67V, I108V.
Identifiers: ClinVar variation 2566226 (VCV002566226.5), dbSNP rs2543284318, ClinGen allele CA390888247.